The following is an entry in ClinVar:

ClinVar aggregate classification (germline): Likely pathogenic (1 of 4 stars; one submission).

Conditions:
Cardiovascular phenotype. Identifiers: MedGen CN230736.

Submission:

Ambry Genetics
Classification: Likely pathogenic for Cardiovascular phenotype. Last evaluated: 2026-04-23. Review status: criteria provided, single submitter. Criteria: Ambry Variant Classification Scheme 2023. Collection method: clinical testing. Allele origin: germline.
Comment: The p.K4443* variant (also known as c.13327A>T), located in coding exon 46 of the TTN gene, results from an A to T substitution at nucleotide position 13327. This changes the amino acid from a lysine to a stop codon within coding exon 46. This exon is located in the I-band region of the N2-B isoform of the titin protein and is constitutively expressed in TTN transcripts (percent spliced in or PSI 100%). This variant is considered to be rare based on population cohorts in the Genome Aggregation Database (gnomAD). This variant is expected to result in loss of function by premature protein truncation or nonsense-mediated mRNA decay. While truncating variants in TTN are present in 1-3% of the general population, truncating variants in the A-band are the most common cause of dilated cardiomyopathy (Herman DS et al. N. Engl. J. Med., 2012 Feb;366:619-28; Roberts AM et al. Sci Transl Med, 2015 Jan;7:270ra6). TTN truncating variants encoded in constitutive exons (PSI >90%) have been found to be significantly associated with DCM regardless of their position in titin (Schafer S et al. Nat. Genet., 2017 01;49:46-53; Akhtar MM et al. Circ Heart Fail, 2020 Oct;13:e006832; Massier M et al. Clin Genet, 2025 Jan). Based on the majority of available evidence to date, this variant is likely to be pathogenic.

NM_001267550.2(TTN):c.40522A>T (p.Lys13508Ter)

Gene: TTN (titin; minus strand). Cytogenetic location: 2q31.2.
Variant type: single nucleotide variant.
Coding change: c.40522A>T on transcript NM_001267550.2 (MANE Select); coding-DNA position 40522, A replaced by T.
Protein change: p.Lys13508Ter; replaces lysine 13508 with a stop codon.
Molecular consequence: nonsense.
Genome position (GRCh38, 1-based): chr2:178,642,273, T>A on the plus strand (A>T on the coding strand, the complement: TTN is on the minus strand). VCF-style: chr2-178642273-T-A. GRCh37 (hg19) VCF-style: chr2-179507000-T-A.
Other names: c.13903A>T, p.Lys4635Ter (NM_133437.4); c.35599A>T, p.Lys11867Ter (NM_001256850.1); c.13327A>T, p.Lys4443Ter (NM_003319.4); c.32818A>T, p.Lys10940Ter (NM_133378.4); c.13702A>T, p.Lys4568Ter (NM_133432.3); short protein forms K10940*, K11867*, K13508*, K4443*, K4568*, K4635*.
Identifiers: ClinVar variation 4866199 (VCV004866199.1).
Genomic context (GRCh38, chr2:178,642,273, plus strand): 5'-CAGAATGGTTGAAAAATACTATACCGCTTTTCAGAACAACTTCTTCCTTTGGTTCAGGTT[T>A]ACGTTCCGGAAGTAATTTGCGAACTTTCTTTTCACCTCCAGGCACTTAAAAGAATATGAT-3'